The following is an entry in ClinVar:

ClinVar aggregate classification (germline): Pathogenic (1 of 4 stars; one submission).

Submission:

GeneDx
Classification: Pathogenic. Last evaluated: 2015-12-30. Review status: criteria provided, single submitter. Criteria: GeneDx Variant Classification (06012015). Collection method: clinical testing. Allele origin: germline. Affected: yes.
Comment: The c.2009delG pathogenic variant in the COL1A2 gene has not been reported previously as a pathogenic variant nor as a benign variant, to our knowledge. This variant causes a frameshift starting with codon Glycine 670, changes this amino acid to an Alanine residue, and creates a premature Stop codon at position 12 of the new reading frame, denoted p.Gly670AlafsX12. This variant is predicted to cause loss of normal protein function either through protein truncation or nonsense-mediated mRNA decay. The c.2009delG variant was not observed in approximately 6500 individuals of European and African American ancestry in the NHLBI Exome Sequencing Project, indicating it is not a common benign variant in these populations. We interpret c.2009delG as a pathogenic variant.

NM_000089.4(COL1A2):c.2009del (p.Gly670fs)

Gene: COL1A2 (collagen type I alpha 2 chain; plus strand). Cytogenetic location: 7q21.3.
Variant type: Deletion.
Coding change: c.2009del on transcript NM_000089.4 (MANE Select); coding-DNA position 2009, one base deleted (G; older notation c.2009delG).
Protein change: p.Gly670fs; shifts the reading frame from glycine 670.
Molecular consequence: frameshift variant.
Genome position (GRCh38, 1-based): chr7:94,418,536, G deleted; the last of 2 consecutive G bases (chr7:94,418,535-94,418,536); deleting either gives the same sequence. VCF-style (leftmost placement, unchanged base first): chr7-94418534-TG-T. GRCh37 (hg19) VCF-style: chr7-94047846-TG-T.
Other names: c.2009delG (NM_000089.3); short protein forms G670fs.
Identifiers: ClinVar variation 280171 (VCV000280171.2), dbSNP rs886041426, ClinGen allele CA10603081.